The following is an entry in ClinVar:

NM_020911.2(PLXNA4):c.2665G>A (p.Asp889Asn)

Gene: PLXNA4 (plexin A4; minus strand). Cytogenetic location: 7q32.3.
Variant type: single nucleotide variant.
Coding change: c.2665G>A on transcript NM_020911.2 (MANE Select); coding-DNA position 2665, G replaced by A.
Protein change: p.Asp889Asn; replaces aspartic acid 889 with asparagine.
Molecular consequence: missense variant.
Genome position (GRCh38, 1-based): chr7:132,198,558, C>T on the plus strand (G>A on the coding strand, the complement: PLXNA4 is on the minus strand). VCF-style: chr7-132198558-C-T. GRCh37 (hg19) VCF-style: chr7-131883317-C-T.
Other names: c.2665G>A, p.Asp889Asn (NM_001393897.1); short protein forms D889N.
Identifiers: ClinVar variation 3353927 (VCV003353927.1).

ClinVar aggregate classification (germline): Uncertain significance (0 of 4 stars; one submission).

Conditions:
PLXNA4-related disorder. Also called: PLXNA4-related condition.

gnomAD v4.1: 14 of 1,614,104 alleles (0.00087%); highest among the groups gnomAD compares: African/African-American, 0.0053%; no homozygotes.

Submission:

PreventionGenetics, part of Exact Sciences
Classification: Uncertain significance for PLXNA4-related condition. Last evaluated: 2024-05-10. Review status: no assertion criteria provided. Collection method: clinical testing. Allele origin: germline.
Comment: The PLXNA4 c.2665G>A variant is predicted to result in the amino acid substitution p.Asp889Asn. To our knowledge, this variant has not been reported in the literature. This variant is reported in 0.011% of alleles in individuals of African descent in gnomAD. At this time, the clinical significance of this variant is uncertain due to the absence of conclusive functional and genetic evidence.